The following is an entry in ClinVar:

ClinVar aggregate classification (germline): Conflicting classifications of pathogenicity. Review status: criteria provided, conflicting classifications (1 of 4 stars). 3 submissions from 3 submitters: Uncertain significance (2); Likely benign (1). Last evaluated 2025-12-12.

Conditions:
PEX1-related disorder. Also called: PEX1-related condition.
Inborn genetic diseases. Identifiers: MedGen C0950123, MeSH D030342.

gnomAD v4.1: 69 of 1,601,328 alleles (0.0043%); highest among the groups gnomAD compares: Non-Finnish European, 0.0055%; no homozygotes.

Submissions (3):

PreventionGenetics, part of Exact Sciences
Classification: Uncertain significance for PEX1-related condition. Last evaluated: 2025-12-12. Review status: criteria provided, single submitter. Criteria: ACMG Guidelines, 2015. Collection method: clinical testing. Allele origin: germline.
Comment: The PEX1 c.752G>A variant is predicted to result in the amino acid substitution p.Ser251Asn. To our knowledge, this variant has not been reported in the literature. This variant is reported in 0.0040% of alleles in individuals of African descent in gnomAD. At this time, the clinical significance of this variant is uncertain due to the absence of conclusive functional and genetic evidence.

Ambry Genetics
Classification: Likely benign for Inborn genetic diseases. Last evaluated: 2024-04-29. Review status: criteria provided, single submitter. Criteria: Ambry Variant Classification Scheme 2023. Collection method: clinical testing. Allele origin: germline.

Blueprint Genetics
Classification: Uncertain significance. Last evaluated: 2022-10-26. Review status: criteria provided, single submitter. Criteria: ACMG Guidelines, 2015. Collection method: clinical testing. Allele origin: germline.

NM_000466.3(PEX1):c.752G>A (p.Ser251Asn)

Gene: PEX1 (peroxisomal biogenesis factor 1; minus strand). Cytogenetic location: 7q21.2.
Variant type: single nucleotide variant.
Coding change: c.752G>A on transcript NM_000466.3 (MANE Select); coding-DNA position 752, G replaced by A.
Protein change: p.Ser251Asn; replaces serine 251 with asparagine.
Molecular consequence: missense variant.
Genome position (GRCh38, 1-based): chr7:92,517,763, C>T on the plus strand (G>A on the coding strand, the complement: PEX1 is on the minus strand). VCF-style: chr7-92517763-C-T. GRCh37 (hg19) VCF-style: chr7-92147077-C-T.
Other names: c.752G>A, p.Ser251Asn (NM_001282677.2); c.128G>A, p.Ser43Asn (NM_001282678.2); short protein forms S251N, S43N.
Identifiers: ClinVar variation 3305823 (VCV003305823.3).